The following is an entry in ClinVar:

ClinVar aggregate classification (germline): Uncertain significance (1 of 4 stars; one submission).

Conditions:
Cardiovascular phenotype. Identifiers: MedGen CN230736.

Submission:

Ambry Genetics
Classification: Uncertain significance for Cardiovascular phenotype. Last evaluated: 2023-12-10. Review status: criteria provided, single submitter. Criteria: Ambry Variant Classification Scheme 2023. Collection method: clinical testing. Allele origin: germline.
Comment: The p.D2545N variant (also known as c.7633G>A), located in coding exon 24 of the DSP gene, results from a G to A substitution at nucleotide position 7633. The aspartic acid at codon 2545 is replaced by asparagine, an amino acid with highly similar properties. This amino acid position is conserved. In addition, this alteration is predicted to be tolerated by in silico analysis. Since supporting evidence is limited at this time, the clinical significance of this alteration remains unclear.

NM_004415.4(DSP):c.7633G>A (p.Asp2545Asn)

Gene: DSP (desmoplakin; plus strand). Cytogenetic location: 6p24.3.
Variant type: single nucleotide variant.
Coding change: c.7633G>A on transcript NM_004415.4 (MANE Select); coding-DNA position 7633, G replaced by A.
Protein change: p.Asp2545Asn; replaces aspartic acid 2545 with asparagine.
Molecular consequence: missense variant.
Genome position (GRCh38, 1-based): chr6:7,584,895, G>A. VCF-style: chr6-7584895-G-A. GRCh37 (hg19) VCF-style: chr6-7585128-G-A.
Other names: c.5836G>A, p.Asp1946Asn (NM_001008844.3); c.6304G>A, p.Asp2102Asn (NM_001319034.2); short protein forms D1946N, D2102N, D2545N.
Identifiers: ClinVar variation 3224248 (VCV003224248.1), dbSNP rs2533947133, ClinGen allele CA362693440.
Genomic context (GRCh38, chr6:7,584,895, plus strand): 5'-GGCAGTCAGTATGATATTCAAGATGCTATTGACAAGGGCCTTGTTGACAGGAAGTTCTTT[G>A]ATCAGTACCGATCCGGCAGCCTCAGCCTCACTCAATTTGCTGACATGATCTCCTTGAAAA-3'
Protein context (NP_004406.2, residues 2535-2555): DKGLVDRKFF[Asp2545Asn]QYRSGSLSLT